The following is an entry in ClinVar:

ClinVar aggregate classification (germline): Uncertain significance (1 of 4 stars; one submission).

Allele frequency attached by ClinVar (database versions not stated): TOPMed 0.00002; ExAC 0.00003.
gnomAD v4.1: 22 of 1,614,028 alleles (0.0014%); highest among the groups gnomAD compares: African/African-American, 0.004%; no homozygotes.

Submission:

Labcorp Genetics (formerly Invitae), Labcorp
Classification: Uncertain significance. Last evaluated: 2025-06-12. Review status: criteria provided, single submitter. Criteria: Invitae Variant Classification Sherloc (09022015). Collection method: clinical testing. Allele origin: germline.
Comment: This sequence change replaces proline, which is neutral and non-polar, with leucine, which is neutral and non-polar, at codon 422 of the GATA3 protein (p.Pro422Leu). This variant is present in population databases (rs771315353, gnomAD 0.01%). This variant has not been reported in the literature in individuals affected with GATA3-related conditions. ClinVar contains an entry for this variant (Variation ID: 2101492). Invitae Evidence Modeling of protein sequence and biophysical properties (such as structural, functional, and spatial information, amino acid conservation, physicochemical variation, residue mobility, and thermodynamic stability) indicates that this missense variant is not expected to disrupt GATA3 protein function with a negative predictive value of 80%. In summary, the available evidence is currently insufficient to determine the role of this variant in disease. Therefore, it has been classified as a Variant of Uncertain Significance.

NM_001002295.2(GATA3):c.1265C>T (p.Pro422Leu)

Gene: GATA3 (GATA binding protein 3; plus strand). Cytogenetic location: 10p14.
Variant type: single nucleotide variant.
Coding change: c.1265C>T on transcript NM_001002295.2 (MANE Select); coding-DNA position 1265, C replaced by T.
Protein change: p.Pro422Leu; replaces proline 422 with leucine.
Molecular consequence: missense variant.
Genome position (GRCh38, 1-based): chr10:8,073,953, C>T. VCF-style: chr10-8073953-C-T. GRCh37 (hg19) VCF-style: chr10-8115916-C-T.
Other names: c.1262C>T, p.Pro421Leu (NM_002051.3); short protein forms P422L, P421L.
Identifiers: ClinVar variation 2101492 (VCV002101492.4), dbSNP rs771315353, ClinGen allele CA5404581.